The following is an entry in ClinVar:

ClinVar aggregate classification (germline): Uncertain significance (1 of 4 stars; one submission).

Allele frequency attached by ClinVar (database versions not stated): gnomAD exomes 0.00002; ExAC 0.00003; TOPMed 0.00003; gnomAD 0.00005 and 0.00006.
gnomAD v4.1: 46 of 1,596,360 alleles (0.0029%); highest among the groups gnomAD compares: Non-Finnish European, 0.0038%; no homozygotes.

Submission:

CeGaT Center for Human Genetics Tuebingen
Classification: Uncertain significance. Last evaluated: 2025-02-01. Review status: criteria provided, single submitter. Criteria: CeGaT Center For Human Genetics Tuebingen Variant Classification Criteria Version 2. Collection method: clinical testing. Allele origin: germline. Affected: yes. Observed: 3 variant alleles.
Comment: RP1L1: PM2, BP4

NM_178857.6(RP1L1):c.5606C>G (p.Pro1869Arg)

Gene: RP1L1 (RP1 like 1). Cytogenetic location: 8p23.1.
Variant type: single nucleotide variant.
Coding change: c.5606C>G on transcript NM_178857.6 (MANE Select); coding-DNA position 5606, C replaced by G.
Protein change: p.Pro1869Arg; replaces proline 1869 with arginine.
Molecular consequence: missense variant.
Genome position (GRCh38, 1-based): chr8:10,608,492, G>C on the plus strand (C>G on the coding strand, the complement: RP1L1 is on the minus strand). VCF-style: chr8-10608492-G-C. GRCh37 (hg19) VCF-style: chr8-10466002-G-C.
Other names: short protein forms P1869R.
Identifiers: ClinVar variation 810249 (VCV000810249.42), dbSNP rs200473134, ClinGen allele CA4623594.
Genomic context (GRCh38, chr8:10,608,492, plus strand): 5'-TCTTCTGACTCTGGCTGGGCCTCTCCTTCTGCCTCTGGGGCCTCTACATCTTCTGACTCT[G>C]GCTGGGCCTCCCCTTCAGCCTCCTGGGCATCCCCTTCTGCCTCTGGGGCCTCTACACCTT-3'
Protein context (NP_849188.4, residues 1859-1879): DAQEAEGEAQ[Pro1869Arg]ESEDVEAPEA